The following is an entry in ClinVar:

ClinVar aggregate classification (germline): Uncertain significance (1 of 4 stars; one submission).

Conditions:
Mendelian susceptibility to mycobacterial diseases due to complete IL12B deficiency. Also called: IL12B DEFICIENCY; Immunodeficiency 29. Identifiers: Orphanet 319558, MedGen C4013948, MONDO:0013954, OMIM 614890.

gnomAD v4.1: 1 of 1,614,072 alleles (0.000062%); highest among the groups gnomAD compares: South Asian, 0.0011%; no homozygotes.

Submission:

Labcorp Genetics (formerly Invitae), Labcorp
Classification: Uncertain significance for Mendelian susceptibility to mycobacterial diseases due to complete IL12B deficiency. Last evaluated: 2022-01-07. Review status: criteria provided, single submitter. Criteria: Invitae Variant Classification Sherloc (09022015). Collection method: clinical testing. Allele origin: germline.
Comment: In summary, the available evidence is currently insufficient to determine the role of this variant in disease. Therefore, it has been classified as a Variant of Uncertain Significance. Algorithms developed to predict the effect of missense changes on protein structure and function (SIFT, PolyPhen-2, Align-GVGD) all suggest that this variant is likely to be tolerated. ClinVar contains an entry for this variant (Variation ID: 851876). This variant has not been reported in the literature in individuals affected with IL12B-related conditions. This variant is not present in population databases (gnomAD no frequency). This sequence change replaces serine, which is neutral and polar, with isoleucine, which is neutral and non-polar, at codon 225 of the IL12B protein (p.Ser225Ile).

NM_002187.3(IL12B):c.674G>T (p.Ser225Ile)

Gene: IL12B (interleukin 12B; minus strand). Cytogenetic location: 5q33.3.
Variant type: single nucleotide variant.
Coding change: c.674G>T on transcript NM_002187.3 (MANE Select); coding-DNA position 674, G replaced by T.
Protein change: p.Ser225Ile; replaces serine 225 with isoleucine.
Molecular consequence: missense variant.
Genome position (GRCh38, 1-based): chr5:159,320,329, C>A on the plus strand (G>T on the coding strand, the complement: IL12B is on the minus strand). VCF-style: chr5-159320329-C-A. GRCh37 (hg19) VCF-style: chr5-158747337-C-A.
Other names: short protein forms S225I.
Identifiers: ClinVar variation 851876 (VCV000851876.9), dbSNP rs1754064448, ClinGen allele CA362032326.